The following is an entry in ClinVar:

ClinVar aggregate classification (germline): Pathogenic (1 of 4 stars; one submission).

Conditions:
Factor V deficiency. Also called: Reduced coagulation factor V activity. Identifiers: Orphanet 326, MedGen C4317320, MONDO:0020586, HP:0003225.

Submission:

Medical Genetics Laboratory, West China Hospital, Sichuan University
Classification: Pathogenic for Factor V deficiency. Review status: criteria provided, single submitter. Criteria: ACMG Guidelines, 2015. Collection method: clinical testing. Allele origin: germline. Inheritance: Autosomal recessive inheritance. Affected: yes.
Comment: The F5 variation may generate a truncated FV protein in which the essential light chain of FVa was lost.

NM_000130.5(F5):c.4096del (p.Leu1366fs)

Gene: F5 (coagulation factor V; minus strand). Cytogenetic location: 1q24.2.
Variant type: Deletion.
Coding change: c.4096del on transcript NM_000130.5 (MANE Select); coding-DNA position 4096, one base deleted (C; older notation c.4096delC).
Protein change: p.Leu1366fs; shifts the reading frame from leucine 1366.
Molecular consequence: frameshift variant.
Genome position (GRCh38, 1-based): chr1:169,540,994, G deleted on the plus strand (C on the coding strand, the reverse complement: F5 is on the minus strand); the first of 3 consecutive G bases (chr1:169,540,994-169,540,996); deleting any one gives the same sequence. VCF-style (leftmost placement, unchanged base first): chr1-169540993-AG-A. GRCh37 (hg19) VCF-style: chr1-169510231-AG-A.
Other names: short protein forms L1366fs.
Identifiers: ClinVar variation 978216 (VCV000978216.1), dbSNP rs1659825695, ClinGen allele CA1139656412.